The following is an entry in ClinVar:

ClinVar aggregate classification (germline): Conflicting classifications of pathogenicity. Review status: criteria provided, conflicting classifications (1 of 4 stars). 4 submissions from 4 submitters: Uncertain significance (3); Likely benign (1). Last evaluated 2025-01-06.

Conditions:
Hereditary cancer-predisposing syndrome. Also called: Tumor predisposition; Neoplastic Syndromes, Hereditary; Hereditary neoplastic syndrome; Hereditary Cancer Syndrome. Identifiers: Orphanet 140162, MedGen C0027672, MeSH D009386, MONDO:0015356.
Tuberous sclerosis 2 (TSC2). Identifiers: MedGen C1860707, MONDO:0013199, OMIM 613254, Orphanet 805.

Allele frequency attached by ClinVar (database versions not stated): gnomAD exomes below 0.00001.
gnomAD v4.1: 2 of 1,612,854 alleles (0.00012%); highest among the groups gnomAD compares: Non-Finnish European, 0.00017%; no homozygotes.

Submissions (4):

Ambry Genetics
Classification: Uncertain significance for Hereditary cancer-predisposing syndrome. Last evaluated: 2025-01-06. Review status: criteria provided, single submitter. Criteria: Ambry Variant Classification Scheme 2023. Collection method: clinical testing. Allele origin: germline.
Comment: The p.E1583K variant (also known as c.4747G>A), located in coding exon 36 of the TSC2 gene, results from a G to A substitution at nucleotide position 4747. The glutamic acid at codon 1583 is replaced by lysine, an amino acid with similar properties. This amino acid position is not well conserved in available vertebrate species. In addition, this alteration is predicted to be deleterious by in silico analysis. Based on the available evidence, the clinical significance of this variant remains unclear.

Labcorp Genetics (formerly Invitae), Labcorp
Classification: Likely benign for Tuberous sclerosis 2. Last evaluated: 2024-02-11. Review status: criteria provided, single submitter. Criteria: Invitae Variant Classification Sherloc (09022015). Collection method: clinical testing. Allele origin: germline.

GeneDx
Classification: Uncertain significance. Last evaluated: 2022-05-13. Review status: criteria provided, single submitter. Criteria: GeneDx Variant Classification Process June 2021. Collection method: clinical testing. Allele origin: germline. Affected: yes.
Comment: In silico analysis supports that this missense variant does not alter protein structure/function; This variant is associated with the following publications: (PMID: 28481359, 28069802, 29179779, 18466115)

Genome-Nilou Lab
Classification: Uncertain significance for Tuberous sclerosis 2. Last evaluated: 2021-11-07. Review status: criteria provided, single submitter. Criteria: ACMG Guidelines, 2015. Collection method: clinical testing. Allele origin: germline. Affected: no.

NM_000548.5(TSC2):c.4747G>A (p.Glu1583Lys)

Gene: TSC2 (TSC complex subunit 2; plus strand). Cytogenetic location: 16p13.3.
Variant type: single nucleotide variant.
Coding change: c.4747G>A on transcript NM_000548.5 (MANE Select); coding-DNA position 4747, G replaced by A.
Protein change: p.Glu1583Lys; replaces glutamic acid 1583 with lysine.
Molecular consequence: missense variant.
Genome position (GRCh38, 1-based): chr16:2,086,277, G>A. VCF-style: chr16-2086277-G-A. GRCh37 (hg19) VCF-style: chr16-2136278-G-A.
Other names: c.4546G>A, p.Glu1516Lys (NM_001077183.3); c.4678G>A, p.Glu1560Lys (NM_001114382.3); c.4438G>A, p.Glu1480Lys (NM_001318827.2); c.4402G>A, p.Glu1468Lys (NM_001318829.2); c.4015G>A, p.Glu1339Lys (NM_001318831.2); c.4579G>A, p.Glu1527Lys (NM_001318832.2); c.4549G>A, p.Glu1517Lys (NM_001363528.2); c.4615G>A, p.Glu1539Lys (NM_001370404.1); and 1 more; short protein forms E1583K, E1527K, E1339K, E1480K, E1516K, E1517K, E1539K, E1468K.
Identifiers: ClinVar variation 265281 (VCV000265281.17), dbSNP rs886039446, ClinGen allele CA10588598.
Genomic context (GRCh38, chr16:2,086,277, plus strand): 5'-TCCAATGAGCATGGCTCCTACAGGTACACGGAGTTCCTGACGGGCCTGGGCCGGCTCATC[G>A]AGCTGAAGGACTGCCAGCCGGACAAGGTGTACCTGGGAGGCCTGGACGTGTGTGGTGAGG-3'
Protein context (NP_000539.2, residues 1573-1593): EFLTGLGRLI[Glu1583Lys]LKDCQPDKVY